The following is an entry in ClinVar:

ClinVar aggregate classification (germline): Uncertain significance. Review status: criteria provided, multiple submitters, no conflicts (2 of 4 stars). 4 submissions from 4 submitters: Uncertain significance (4). Last evaluated 2025-08-31.

Conditions:
Inborn genetic diseases. Identifiers: MedGen C0950123, MeSH D030342.
Floating-Harbor syndrome (FLHS). Also called: Short stature with delayed bone age, expressive language delay, a triangular face with a prominent nose and deep-set eyes; Pelletier-Leisti syndrome; SRCAP-Related Floating-Harbor Syndrome. Identifiers: Orphanet 2044, MedGen C0729582, MONDO:0007621, OMIM 136140.
Developmental delay, hypotonia, musculoskeletal defects, and behavioral abnormalities. Identifiers: MedGen C5562012, MONDO:0859202, OMIM 619595.

Allele frequency attached by ClinVar (database versions not stated): gnomAD exomes 0.00002; gnomAD 0.00003; ExAC 0.00005; TOPMed 0.00005; ESP Exome Variant Server 0.00015.
gnomAD v4.1: 10 of 1,552,596 alleles (0.00064%); highest among the groups gnomAD compares: African/African-American, 0.0068%; no homozygotes.

Submissions (4):

Ambry Genetics
Classification: Uncertain significance for Inborn genetic diseases. Last evaluated: 2025-08-31. Review status: criteria provided, single submitter. Criteria: Ambry Variant Classification Scheme 2023. Collection method: clinical testing. Allele origin: germline.

Labcorp Genetics (formerly Invitae), Labcorp
Classification: Uncertain significance. Last evaluated: 2024-06-29. Review status: criteria provided, single submitter. Criteria: Invitae Variant Classification Sherloc (09022015). Collection method: clinical testing. Allele origin: germline.
Comment: This sequence change replaces arginine, which is basic and polar, with cysteine, which is neutral and slightly polar, at codon 2794 of the SRCAP protein (p.Arg2794Cys). This variant is present in population databases (rs139190108, gnomAD 0.01%). This variant has not been reported in the literature in individuals affected with SRCAP-related conditions. ClinVar contains an entry for this variant (Variation ID: 196911). Algorithms developed to predict the effect of missense changes on protein structure and function output the following: SIFT: "Not Available"; PolyPhen-2: "Not Available"; Align-GVGD: "Not Available". The cysteine amino acid residue is found in multiple mammalian species, which suggests that this missense change does not adversely affect protein function. In summary, the available evidence is currently insufficient to determine the role of this variant in disease. Therefore, it has been classified as a Variant of Uncertain Significance.

Fulgent Genetics
Classification: Uncertain significance for Floating-Harbor syndrome; Developmental delay, hypotonia, musculoskeletal defects, and behavioral abnormalities. Last evaluated: 2023-12-26. Review status: criteria provided, single submitter. Criteria: ACMG Guidelines, 2015. Collection method: clinical testing. Allele origin: germline.

Eurofins Ntd Llc (ga)
Classification: Uncertain significance. Last evaluated: 2015-03-13. Review status: criteria provided, single submitter. Criteria: EGL Classification Definitions 2015. Collection method: clinical testing. Allele origin: germline. Observed: 2 variant alleles, 2 heterozygotes.

NM_006662.3(SRCAP):c.8380C>T (p.Arg2794Cys)

Gene: SRCAP (Snf2 related CREBBP activator protein; plus strand). Cytogenetic location: 16p11.2.
Variant type: single nucleotide variant.
Coding change: c.8380C>T on transcript NM_006662.3 (MANE Select); coding-DNA position 8380, C replaced by T.
Protein change: p.Arg2794Cys; replaces arginine 2794 with cysteine.
Molecular consequence: missense variant.
Genome position (GRCh38, 1-based): chr16:30,738,420, C>T. VCF-style: chr16-30738420-C-T. GRCh37 (hg19) VCF-style: chr16-30749741-C-T.
Other names: c.8380C>T (NM_006662.2); short protein forms R2794C.
Identifiers: ClinVar variation 196911 (VCV000196911.10), dbSNP rs139190108, ClinGen allele CA244711.
Genomic context (GRCh38, chr16:30,738,420, plus strand): 5'-GCCAGCACCCTAGTGCCTGGGGTCTCTGAGACTAGTGCCAGCCCGGGAAGCCCGTCTGTC[C>T]GCAGCATGTCAGGGCCAGAATCCTCCCCTCCCATTGGTGGGCCCTGTGAAGCTGCTCCTT-3'
Protein context (NP_006653.2, residues 2784-2804): TSASPGSPSV[Arg2794Cys]SMSGPESSPP